The following is an entry in ClinVar:

NM_001364905.1(LRBA):c.3009T>A (p.Ser1003=)

Gene: LRBA (LPS responsive beige-like anchor protein; minus strand). Cytogenetic location: 4q31.3.
Variant type: single nucleotide variant.
Coding change: c.3009T>A on transcript NM_001364905.1 (MANE Select); coding-DNA position 3009, T replaced by A.
Protein change: p.Ser1003=; no amino-acid change (serine 1003 retained).
Molecular consequence: synonymous variant.
Genome position (GRCh38, 1-based): chr4:150,852,701, A>T on the plus strand (T>A on the coding strand, the complement: LRBA is on the minus strand). VCF-style: chr4-150852701-A-T. GRCh37 (hg19) VCF-style: chr4-151773853-A-T.
Other names: c.3009T>A, p.Ser1003= (NM_001367550.1, NM_006726.5, NM_001199282.3).
Identifiers: ClinVar variation 790906 (VCV000790906.42), dbSNP rs149919062, ClinGen allele CA3103113.
Genomic context (GRCh38, chr4:150,852,701, plus strand): 5'-TTGCTCAGCTTTCATTTCTTCATAAGATGTATTAGTAGTTTGCAGTTCAATATTAGATGC[A>T]GATTCTAGTGAACTTGTCTTCTCTATACTTGAATTTTCATTACCATTTGTGGTGAAATGA-3'
Protein context (NP_001351834.1, residues 993-1013): SSIEKTSSLE[Ser1003=]ASNIELQTTN

ClinVar aggregate classification (germline): Likely benign. Review status: criteria provided, multiple submitters, no conflicts (2 of 4 stars). 7 submissions from 7 submitters: Likely benign (4). 3 of the submissions do not count toward it. Last evaluated 2026-01-28.

Conditions:
LRBA-related disorder. Also called: LRBA-related condition.
Combined immunodeficiency due to LRBA deficiency. Also called: Common variable immunodeficiency 8, with autoimmunity. Identifiers: Orphanet 445018, MedGen C3553512, MONDO:0013863, OMIM 614700.

Allele frequency attached by ClinVar (database versions not stated): 1000 Genomes Project 0.00020; 1000 Genomes Project 30x 0.00031; gnomAD 0.00036; gnomAD exomes 0.00040 and 0.00068; TOPMed 0.00043; ExAC 0.00048; ESP Exome Variant Server 0.00069.
gnomAD v4.1: 1,033 of 1,614,032 alleles (0.064%); highest among the groups gnomAD compares: Non-Finnish European, 0.085%; no homozygotes.

Submissions (7):

Labcorp Genetics (formerly Invitae), Labcorp
Classification: Likely benign for Combined immunodeficiency due to LRBA deficiency. Last evaluated: 2026-01-28. Review status: criteria provided, single submitter. Criteria: Invitae Variant Classification Sherloc (09022015). Collection method: clinical testing. Allele origin: germline.

CeGaT Center for Human Genetics Tuebingen
Classification: Likely benign. Last evaluated: 2025-09-01. Review status: criteria provided, single submitter. Criteria: CeGaT Center For Human Genetics Tuebingen Variant Classification Criteria Version 2. Collection method: clinical testing. Allele origin: germline. Affected: yes. Observed: 2 variant alleles.
Comment: LRBA: BP4, BP7

Blueprint Genetics
Classification: Likely benign. Last evaluated: 2024-07-24. Review status: criteria provided, single submitter. Criteria: ACMG Guidelines, 2015. Collection method: clinical testing. Allele origin: germline.

Genetic Services Laboratory, University of Chicago
Classification: Likely benign. Last evaluated: 2020-01-28. Review status: criteria provided, single submitter. Criteria: ACMG Guidelines, 2015. Collection method: clinical testing. Allele origin: germline. Affected: no.

PreventionGenetics, part of Exact Sciences
Classification: Likely benign for LRBA-related condition. Last evaluated: 2024-01-19. Review status: no assertion criteria provided. Collection method: clinical testing. Allele origin: germline. Not counted in ClinVar's aggregate classification.
Comment: This variant is classified as likely benign based on ACMG/AMP sequence variant interpretation guidelines (Richards et al. 2015 PMID: 25741868, with internal and published modifications).

Clinical Genetics DNA and cytogenetics Diagnostics Lab, Erasmus MC, Erasmus Medical Center
Classification: Likely benign. Review status: no assertion criteria provided. Collection method: clinical testing. Allele origin: germline. Affected: yes. Study: VKGL Data-share Consensus. Not counted in ClinVar's aggregate classification.

Genome Diagnostics Laboratory, University Medical Center Utrecht
Classification: Likely benign. Review status: no assertion criteria provided. Collection method: clinical testing. Allele origin: germline. Affected: yes. Study: VKGL Data-share Consensus. Not counted in ClinVar's aggregate classification.